The following is an entry in ClinVar:

ClinVar aggregate classification (germline): Conflicting classifications of pathogenicity. Review status: criteria provided, conflicting classifications (1 of 4 stars). 5 submissions from 5 submitters: Likely pathogenic (4); Uncertain significance (1). Last evaluated 2026-01-06.

Conditions:
Autosomal recessive nonsyndromic hearing loss 53. Identifiers: Orphanet 90636, MedGen C1864746, MONDO:0012333, OMIM 609706.
Autosomal dominant nonsyndromic hearing loss 13. Identifiers: Orphanet 90635, MedGen C1866095, MONDO:0011159, OMIM 601868.
Otospondylomegaepiphyseal dysplasia, autosomal dominant (OSMEDA). Also called: Pierre Robin syndrome with fetal chondrodysplasia; Stickler syndrome, type 3; COL11A2-Related Stickler Syndrome. Identifiers: Orphanet 166100, Orphanet 3450, MedGen C1848488, MONDO:0008490, OMIM 184840.
Fibrochondrogenesis 2 (FBCG2). Identifiers: Orphanet 2021, MedGen C3281128, MONDO:0013795, OMIM 614524.
Otospondylomegaepiphyseal dysplasia, autosomal recessive (OSMEDB). Also called: Insley-Astley syndrome; CHONDRODYSTROPHY WITH SENSORINEURAL DEAFNESS. Identifiers: Orphanet 1427, MedGen CN034493, MONDO:0044206, OMIM 215150.

Allele frequency attached by ClinVar (database versions not stated): gnomAD 0.00001; gnomAD exomes 0.00001; TOPMed 0.00002; ExAC 0.00005.
gnomAD v4.1: 21 of 1,550,944 alleles (0.0014%); highest among the groups gnomAD compares: Non-Finnish European, 0.0018%; no homozygotes.

Submissions (5):

Labcorp Genetics (formerly Invitae), Labcorp
Classification: Likely pathogenic. Last evaluated: 2026-01-06. Review status: criteria provided, single submitter. Criteria: Invitae Variant Classification Sherloc (09022015). Collection method: clinical testing. Allele origin: germline.
Comment: This sequence change affects a donor splice site in intron 7 of the COL11A2 gene. It is expected to disrupt RNA splicing. Variants that disrupt the donor or acceptor splice site typically lead to a loss of protein function (PMID: 16199547), and loss-of-function variants in COL11A2 are known to be pathogenic (PMID: 10677296, 21204229). This variant is present in population databases (rs750173113, gnomAD 0.003%). This variant has not been reported in the literature in individuals affected with COL11A2-related conditions. ClinVar contains an entry for this variant (Variation ID: 444675). Algorithms developed to predict the effect of sequence changes on RNA splicing suggest that this variant may disrupt the consensus splice site. In summary, the currently available evidence indicates that the variant is pathogenic, but additional data are needed to prove that conclusively. Therefore, this variant has been classified as Likely Pathogenic.

CeGaT Center for Human Genetics Tuebingen
Classification: Uncertain significance. Last evaluated: 2025-09-01. Review status: criteria provided, single submitter. Criteria: CeGaT Center For Human Genetics Tuebingen Variant Classification Criteria Version 2. Collection method: clinical testing. Allele origin: germline. Affected: yes. Observed: 3 variant alleles.
Comment: COL11A2: PM2, PVS1:Moderate, PM3:Supporting

GeneDx
Classification: Likely pathogenic. Last evaluated: 2025-06-02. Review status: criteria provided, single submitter. Criteria: GeneDx Variant Classification Process June 2021. Collection method: clinical testing. Allele origin: germline. Affected: yes.
Comment: Canonical splice site variant with an unclear effect on protein function; Not observed at significant frequency in large population cohorts (gnomAD); Has not been previously published as pathogenic or benign to our knowledge

Fulgent Genetics
Classification: Likely pathogenic for Otospondylomegaepiphyseal dysplasia, autosomal dominant; Otospondylomegaepiphyseal dysplasia, autosomal recessive; Autosomal dominant nonsyndromic hearing loss 13; Autosomal recessive nonsyndromic hearing loss 53; Fibrochondrogenesis 2. Last evaluated: 2024-02-06. Review status: criteria provided, single submitter. Criteria: ACMG Guidelines, 2015. Collection method: clinical testing. Allele origin: germline.

Revvity Omics, Revvity
Classification: Likely pathogenic. Last evaluated: 2023-10-26. Review status: criteria provided, single submitter. Criteria: ACMG Guidelines, 2015. Collection method: clinical testing. Allele origin: germline.

Literature cited by the submitters: PubMed 16199547 (cited by Labcorp Genetics (formerly Invitae), Labcorp); PubMed 10677296 (cited by Labcorp Genetics (formerly Invitae), Labcorp); PubMed 21204229 (cited by Labcorp Genetics (formerly Invitae), Labcorp).

NM_080680.3(COL11A2):c.939+1G>A

Gene: COL11A2 (collagen type XI alpha 2 chain; minus strand). Cytogenetic location: 6p21.32.
Variant type: single nucleotide variant.
Coding change: c.939+1G>A on transcript NM_080680.3 (MANE Select); the canonical splice donor site of the intron after coding-DNA position 939, G replaced by A.
Molecular consequence: splice donor variant. On other transcripts: intron variant (1).
Genome position (GRCh38, 1-based): chr6:33,184,991, C>T on the plus strand (G>A on the coding strand, the complement: COL11A2 is on the minus strand). VCF-style: chr6-33184991-C-T. GRCh37 (hg19) VCF-style: chr6-33152768-C-T.
Other names: c.798+1636G>A (NM_080679.3); c.861+1G>A (NM_080681.3).
Identifiers: ClinVar variation 444675 (VCV000444675.51), dbSNP rs750173113, ClinGen allele CA3751522.